The following is an entry in ClinVar:

NM_004260.4(RECQL4):c.2207C>T (p.Ala736Val)

Gene: RECQL4 (RecQ like helicase 4; minus strand). Cytogenetic location: 8q24.3.
Variant type: single nucleotide variant.
Coding change: c.2207C>T on transcript NM_004260.4 (MANE Select); coding-DNA position 2207, C replaced by T.
Protein change: p.Ala736Val; replaces alanine 736 with valine.
Molecular consequence: missense variant.
Genome position (GRCh38, 1-based): chr8:144,513,474, G>A on the plus strand (C>T on the coding strand, the complement: RECQL4 is on the minus strand). VCF-style: chr8-144513474-G-A. GRCh37 (hg19) VCF-style: chr8-145738858-G-A.
Other names: short protein forms A736V.
Identifiers: ClinVar variation 934266 (VCV000934266.7), dbSNP rs771790911, ClinGen allele CA372679460.

ClinVar aggregate classification (germline): Uncertain significance. Review status: criteria provided, multiple submitters, no conflicts (2 of 4 stars). 2 submissions from 2 submitters: Uncertain significance (2). Last evaluated 2025-03-28.

Conditions:
Inborn genetic diseases. Identifiers: MedGen C0950123, MeSH D030342.
Baller-Gerold syndrome (BGS). Also called: CRANIOSYNOSTOSIS WITH RADIAL DEFECTS. Identifiers: Orphanet 1225, MedGen C0265308, MONDO:0009039, OMIM 218600.

gnomAD v4.1: 6 of 1,609,704 alleles (0.00037%); highest among the groups gnomAD compares: African/African-American, 0.0027%; no homozygotes.

Submissions (2):

Ambry Genetics
Classification: Uncertain significance for Inborn genetic diseases. Last evaluated: 2025-03-28. Review status: criteria provided, single submitter. Criteria: Ambry Variant Classification Scheme 2023. Collection method: clinical testing. Allele origin: germline.
Comment: The p.A736V variant (also known as c.2207C>T), located in coding exon 14 of the RECQL4 gene, results from a C to T substitution at nucleotide position 2207. The alanine at codon 736 is replaced by valine, an amino acid with similar properties. This amino acid position is conserved. In addition, this alteration is predicted to be tolerated by in silico analysis. Based on the available evidence, the clinical significance of this variant remains unclear.

Labcorp Genetics (formerly Invitae), Labcorp
Classification: Uncertain significance for Baller-Gerold syndrome. Last evaluated: 2023-10-13. Review status: criteria provided, single submitter. Criteria: Invitae Variant Classification Sherloc (09022015). Collection method: clinical testing. Allele origin: germline.
Comment: This sequence change replaces alanine, which is neutral and non-polar, with valine, which is neutral and non-polar, at codon 736 of the RECQL4 protein (p.Ala736Val). This variant is present in population databases (no rsID available, gnomAD 0.01%). This variant has not been reported in the literature in individuals affected with RECQL4-related conditions. ClinVar contains an entry for this variant (Variation ID: 934266). Advanced modeling of protein sequence and biophysical properties (such as structural, functional, and spatial information, amino acid conservation, physicochemical variation, residue mobility, and thermodynamic stability) performed at Invitae indicates that this missense variant is not expected to disrupt RECQL4 protein function. In summary, the available evidence is currently insufficient to determine the role of this variant in disease. Therefore, it has been classified as a Variant of Uncertain Significance.